The following is an entry in ClinVar:

ClinVar aggregate classification (germline): Uncertain significance (1 of 4 stars; one submission).

Submission:

GeneDx
Classification: Uncertain significance. Last evaluated: 2022-06-18. Review status: criteria provided, single submitter. Criteria: GeneDx Variant Classification Process June 2021. Collection method: clinical testing. Allele origin: germline. Affected: yes.
Comment: Not observed in large population cohorts (gnomAD); In silico analysis, which includes protein predictors and evolutionary conservation, supports a deleterious effect; Has not been previously published as pathogenic or benign to our knowledge

NM_020738.4(KIDINS220):c.3005A>G (p.Tyr1002Cys)

Gene: KIDINS220 (kinase D interacting substrate 220; minus strand). Cytogenetic location: 2p25.1.
Variant type: single nucleotide variant.
Coding change: c.3005A>G on transcript NM_020738.4 (MANE Select); coding-DNA position 3005, A replaced by G.
Protein change: p.Tyr1002Cys; replaces tyrosine 1002 with cysteine.
Molecular consequence: missense variant. On other transcripts: non-coding transcript variant (2).
Genome position (GRCh38, 1-based): chr2:8,770,676, T>C on the plus strand (A>G on the coding strand, the complement: KIDINS220 is on the minus strand). VCF-style: chr2-8770676-T-C. GRCh37 (hg19) VCF-style: chr2-8910806-T-C.
Other names: c.3008A>G, p.Tyr1003Cys (NM_001348729.2, NM_001348731.2, NM_001348734.2 and 3 more transcripts); c.3005A>G, p.Tyr1002Cys (NM_001348732.2, NM_001348735.2, NM_001348738.2 and 3 more transcripts); c.2879A>G, p.Tyr960Cys (NM_001348736.2); short protein forms Y1002C, Y1003C, Y960C.
Identifiers: ClinVar variation 1309490 (VCV001309490.3), dbSNP rs2148160841, ClinGen allele CA345773717.
Genomic context (GRCh38, chr2:8,770,676, plus strand): 5'-TTTTTTTAACTCAACCTAAAATAAAGTAAAATACAAAGAGGTCACAAAAGGTACCTTTCG[T>C]AGATGGTTTTTAATGTCATTTGATCTGGAATACCTTCAGTCTCTTCCAAATATAATATGA-3'
Protein context (NP_065789.1, residues 992-1012): IPDQMTLKTI[Tyr1002Cys]ERISKNIPTT